The following is an entry in ClinVar:

NM_001199397.3(NEK1):c.3086A>G (p.Gln1029Arg)

Gene: NEK1 (NIMA related kinase 1; minus strand). Cytogenetic location: 4q33.
Variant type: single nucleotide variant.
Coding change: c.3086A>G on transcript NM_001199397.3 (MANE Select); coding-DNA position 3086, A replaced by G.
Protein change: p.Gln1029Arg; replaces glutamine 1029 with arginine.
Molecular consequence: missense variant. On other transcripts: non-coding transcript variant (1).
Genome position (GRCh38, 1-based): chr4:169,424,689, T>C on the plus strand (A>G on the coding strand, the complement: NEK1 is on the minus strand). VCF-style: chr4-169424689-T-C. GRCh37 (hg19) VCF-style: chr4-170345840-T-C.
Other names: c.2954A>G, p.Gln985Arg (NM_001199398.3); c.2795A>G, p.Gln932Arg (NM_001199399.3); c.2870A>G, p.Gln957Arg (NM_001199400.3); c.3086A>G, p.Gln1029Arg (NM_001374418.1); c.3002A>G, p.Gln1001Arg (NM_001374419.1, NM_012224.4); c.2951A>G, p.Gln984Arg (NM_001374420.1); c.2603A>G, p.Gln868Arg (NM_001374421.1); short protein forms Q1001R, Q984R, Q868R, Q957R, Q985R, Q932R, Q1029R.
Identifiers: ClinVar variation 2106335 (VCV002106335.4), dbSNP rs1736066449, ClinGen allele CA358801395.
Genomic context (GRCh38, chr4:169,424,689, plus strand): 5'-AAATGCGAGTGAGATCGAAATGCAAAGGATTCTTCTGGTGAACACTGAACTGATTGAACT[T>C]GAGGGACTAAGTTCAAGTGTTCAGAATGAACCACCTTATGGAAAAATGGTTCCGGTTGCA-3'
Protein context (NP_001186326.1, residues 1019-1039): VHSEHLNLVP[Gln1029Arg]VQSVQCSPEE

ClinVar aggregate classification (germline): Uncertain significance (1 of 4 stars; one submission).

Conditions:
Short-rib thoracic dysplasia 6 with or without polydactyly (SRTD6). Also called: SHORT RIB-POLYDACTYLY SYNDROME, TYPE IIA; POLYDACTYLY WITH NEONATAL CHONDRODYSTROPHY, TYPE II; Majewski Syndrome; SHORT-RIB THORACIC DYSPLASIA 6 WITH POLYDACTYLY; SHORT-RIB THORACIC DYSPLASIA 6 WITHOUT POLYDACTYLY. Identifiers: MedGen C0024507, MONDO:0009894, OMIM 263520.

Allele frequency attached by ClinVar (database versions not stated): gnomAD exomes below 0.00001.
gnomAD v4.1: 4 of 1,613,868 alleles (0.00025%); highest among the groups gnomAD compares: African/African-American, 0.0053%; no homozygotes.

Submission:

Labcorp Genetics (formerly Invitae), Labcorp
Classification: Uncertain significance for Short-rib thoracic dysplasia 6 with or without polydactyly. Last evaluated: 2024-02-14. Review status: criteria provided, single submitter. Criteria: Invitae Variant Classification Sherloc (09022015). Collection method: clinical testing. Allele origin: germline.
Comment: This sequence change replaces glutamine, which is neutral and polar, with arginine, which is basic and polar, at codon 1001 of the NEK1 protein (p.Gln1001Arg). This variant is not present in population databases (gnomAD no frequency). This variant has not been reported in the literature in individuals affected with NEK1-related conditions. ClinVar contains an entry for this variant (Variation ID: 2106335). Advanced modeling of protein sequence and biophysical properties (such as structural, functional, and spatial information, amino acid conservation, physicochemical variation, residue mobility, and thermodynamic stability) performed at Invitae indicates that this missense variant is not expected to disrupt NEK1 protein function with a negative predictive value of 80%. In summary, the available evidence is currently insufficient to determine the role of this variant in disease. Therefore, it has been classified as a Variant of Uncertain Significance.